The following is an entry in ClinVar:

ClinVar aggregate classification (germline): Uncertain significance (1 of 4 stars; one submission).

Conditions:
Charcot-Marie-Tooth disease axonal type 2Z. Also called: CHARCOT-MARIE-TOOTH DISEASE, AXONAL, AUTOSOMAL DOMINANT, TYPE 2Z; CHARCOT-MARIE-TOOTH NEUROPATHY, TYPE 2Z. Identifiers: Orphanet 466768, MedGen C5569025, MONDO:0014736, OMIM 616688.

Allele frequency attached by ClinVar (database versions not stated): gnomAD exomes below 0.00001; gnomAD 0.00001; TOPMed 0.00001.
gnomAD v4.1: 2 of 1,614,036 alleles (0.00012%); highest among the groups gnomAD compares: African/African-American, 0.0013%; no homozygotes.

Submission:

Labcorp Genetics (formerly Invitae), Labcorp
Classification: Uncertain significance for Charcot-Marie-Tooth disease axonal type 2Z. Last evaluated: 2025-12-13. Review status: criteria provided, single submitter. Criteria: Invitae Variant Classification Sherloc (09022015). Collection method: clinical testing. Allele origin: germline.
Comment: This sequence change replaces glutamic acid, which is acidic and polar, with glycine, which is neutral and non-polar, at codon 724 of the MORC2 protein (p.Glu724Gly). This variant is not present in population databases (gnomAD no frequency). This variant has not been reported in the literature in individuals affected with MORC2-related conditions. ClinVar contains an entry for this variant (Variation ID: 1001259). Invitae Evidence Modeling of protein sequence and biophysical properties (such as structural, functional, and spatial information, amino acid conservation, physicochemical variation, residue mobility, and thermodynamic stability) has been performed for this missense variant. However, the output from this modeling did not meet the statistical confidence thresholds required to predict the impact of this variant on MORC2 protein function. In summary, the available evidence is currently insufficient to determine the role of this variant in disease. Therefore, it has been classified as a Variant of Uncertain Significance.

NM_001303256.3(MORC2):c.2171A>G (p.Glu724Gly)

Gene: MORC2 (MORC family CW-type zinc finger 2; minus strand). Cytogenetic location: 22q12.2.
Variant type: single nucleotide variant.
Coding change: c.2171A>G on transcript NM_001303256.3 (MANE Select); coding-DNA position 2171, A replaced by G.
Protein change: p.Glu724Gly; replaces glutamic acid 724 with glycine.
Molecular consequence: missense variant.
Genome position (GRCh38, 1-based): chr22:30,934,803, T>C on the plus strand (A>G on the coding strand, the complement: MORC2 is on the minus strand). VCF-style: chr22-30934803-T-C. GRCh37 (hg19) VCF-style: chr22-31330790-T-C.
Other names: c.2171A>G, p.Glu724Gly (NM_001303257.2); c.1985A>G, p.Glu662Gly (NM_014941.3); short protein forms E662G, E724G.
Identifiers: ClinVar variation 1001259 (VCV001001259.7), dbSNP rs1031845854, ClinGen allele CA323271219.